The following is an entry in ClinVar:

NM_005629.4(SLC6A8):c.480C>G (p.Val160=)

Gene: SLC6A8 (solute carrier family 6 member 8; plus strand). Cytogenetic location: Xq28.
Variant type: single nucleotide variant.
Coding change: c.480C>G on transcript NM_005629.4 (MANE Select); coding-DNA position 480, C replaced by G.
Protein change: p.Val160=; no amino-acid change (valine 160 retained).
Molecular consequence: synonymous variant.
Genome position (GRCh38, 1-based): chrX:153,691,389, C>G. VCF-style: chrX-153691389-C-G. GRCh37 (hg19) VCF-style: chrX-152956844-C-G.
Other names: c.480C>G, p.Val160= (NM_001142805.2); c.135C>G, p.Val45= (NM_001142806.1).
Identifiers: ClinVar variation 4873860 (VCV004873860.2).
Genomic context (GRCh38, chrX:153,691,389, plus strand): 5'-CGTCTTCTACTGCAACACCTACTACATCATGGTGCTGGCCTGGGGCTTCTATTACCTGGT[C>G]AAGTCCTTTACCACCACGCTGCCCTGGGCCACATGTGGCCACACCTGGAACACTCCCGAC-3'
Protein context (NP_005620.1, residues 150-170): MVLAWGFYYL[Val160=]KSFTTTLPWA

ClinVar aggregate classification (germline): Likely benign (1 of 4 stars; one submission).

Submission:

CeGaT Center for Human Genetics Tuebingen
Classification: Likely benign. Last evaluated: 2026-05-01. Review status: criteria provided, single submitter. Criteria: CeGaT Center For Human Genetics Tuebingen Variant Classification Criteria Version 2. Collection method: clinical testing. Allele origin: germline. Affected: yes. Observed: 1 variant allele.
Comment: SLC6A8: PM2:Supporting, BP4, BP7